The following is an entry in ClinVar:

ClinVar aggregate classification (germline): Uncertain significance (1 of 4 stars; one submission).

Submission:

Labcorp Genetics (formerly Invitae), Labcorp
Classification: Uncertain significance. Last evaluated: 2025-07-13. Review status: criteria provided, single submitter. Criteria: Invitae Variant Classification Sherloc (09022015). Collection method: clinical testing. Allele origin: germline.
Comment: This sequence change replaces alanine, which is neutral and non-polar, with aspartic acid, which is acidic and polar, at codon 202 of the MMP9 protein (p.Ala202Asp). This variant is not present in population databases (gnomAD no frequency). This variant has not been reported in the literature in individuals affected with MMP9-related conditions. Invitae Evidence Modeling of protein sequence and biophysical properties (such as structural, functional, and spatial information, amino acid conservation, physicochemical variation, residue mobility, and thermodynamic stability) has been performed for this missense variant. However, the output from this modeling did not meet the statistical confidence thresholds required to predict the impact of this variant on MMP9 protein function. In summary, the available evidence is currently insufficient to determine the role of this variant in disease. Therefore, it has been classified as a Variant of Uncertain Significance.

NM_004994.3(MMP9):c.605C>A (p.Ala202Asp)

Gene: MMP9 (matrix metallopeptidase 9; plus strand). Cytogenetic location: 20q13.12.
Variant type: single nucleotide variant.
Coding change: c.605C>A on transcript NM_004994.3 (MANE Select); coding-DNA position 605, C replaced by A.
Protein change: p.Ala202Asp; replaces alanine 202 with aspartic acid.
Molecular consequence: missense variant.
Genome position (GRCh38, 1-based): chr20:46,011,006, C>A. VCF-style: chr20-46011006-C-A. GRCh37 (hg19) VCF-style: chr20-44639645-C-A.
Other names: short protein forms A202D.
Identifiers: ClinVar variation 4751794 (VCV004751794.1).